The following is an entry in ClinVar:

NM_024928.5(STN1):c.1006C>T (p.Arg336Cys)

Gene: STN1 (STN1 subunit of CST complex; minus strand). Cytogenetic location: 10q24.33.
Variant type: single nucleotide variant.
Coding change: c.1006C>T on transcript NM_024928.5 (MANE Select); coding-DNA position 1006, C replaced by T.
Protein change: p.Arg336Cys; replaces arginine 336 with cysteine.
Molecular consequence: missense variant.
Genome position (GRCh38, 1-based): chr10:103,882,785, G>A on the plus strand (C>T on the coding strand, the complement: STN1 is on the minus strand). VCF-style: chr10-103882785-G-A. GRCh37 (hg19) VCF-style: chr10-105642543-G-A.
Other names: short protein forms R336C.
Identifiers: ClinVar variation 1468946 (VCV001468946.6), dbSNP rs761593090, ClinGen allele CA5676423.

ClinVar aggregate classification (germline): Uncertain significance (1 of 4 stars; one submission).

Allele frequency attached by ClinVar (database versions not stated): gnomAD 0.00002; ExAC 0.00003; gnomAD exomes 0.00003 and 0.00006; TOPMed 0.00003.

Submission:

Labcorp Genetics (formerly Invitae), Labcorp
Classification: Uncertain significance. Last evaluated: 2024-05-09. Review status: criteria provided, single submitter. Criteria: Invitae Variant Classification Sherloc (09022015). Collection method: clinical testing. Allele origin: germline.
Comment: This sequence change replaces arginine, which is basic and polar, with cysteine, which is neutral and slightly polar, at codon 336 of the STN1 protein (p.Arg336Cys). This variant is present in population databases (rs761593090, gnomAD 0.04%). This variant has not been reported in the literature in individuals affected with STN1-related conditions. ClinVar contains an entry for this variant (Variation ID: 1468946). Advanced modeling of protein sequence and biophysical properties (such as structural, functional, and spatial information, amino acid conservation, physicochemical variation, residue mobility, and thermodynamic stability) performed at Invitae indicates that this missense variant is not expected to disrupt STN1 protein function with a negative predictive value of 80%. In summary, the available evidence is currently insufficient to determine the role of this variant in disease. Therefore, it has been classified as a Variant of Uncertain Significance.